The following is an entry in ClinVar:

ClinVar aggregate classification (germline): Uncertain significance (0 of 4 stars; one submission).

Conditions:
XIRP2-related disorder. Also called: XIRP2-related condition.

gnomAD v4.1: 1 of 717,470 alleles (0.00014%); highest among the groups gnomAD compares: Non-Finnish European, 0.00026%; no homozygotes.

Submission:

PreventionGenetics, part of Exact Sciences
Classification: Uncertain significance for XIRP2-related condition. Last evaluated: 2024-01-12. Review status: no assertion criteria provided. Collection method: clinical testing. Allele origin: germline.
Comment: The XIRP2 c.592C>T variant is predicted to result in the amino acid substitution p.Leu198Phe. To our knowledge, this variant has not been reported in the literature or in a large population database, indicating this variant is rare. At this time, the clinical significance of this variant is uncertain due to the absence of conclusive functional and genetic evidence.

NM_152381.6(XIRP2):c.563-26164C>T

Gene: XIRP2 (xin actin binding repeat containing 2; plus strand). Cytogenetic location: 2q24.3.
Variant type: single nucleotide variant.
Coding change: c.563-26164C>T on transcript NM_152381.6 (MANE Select); 26164 bases into the intron before coding-DNA position 563, C replaced by T.
Molecular consequence: intron variant. On other transcripts: missense variant (1).
Genome position (GRCh38, 1-based): chr2:167,184,571, C>T. VCF-style: chr2-167184571-C-T. GRCh37 (hg19) VCF-style: chr2-168041081-C-T.
Other names: c.592C>T, p.Leu198Phe (NM_001199143.2); c.563-26164C>T (NM_001079810.4); short protein forms L198F.
Identifiers: ClinVar variation 3029807 (VCV003029807.2), dbSNP rs2468154710, ClinGen allele CA349247054.
Genomic context (GRCh38, chr2:167,184,571, plus strand): 5'-AAAGGTTCTGCTGTTTTTCTGTTTCCAGCAGCAGTGTTCTCCACGGACCAAGCCCAGATT[C>T]TCAGGCTCCACCTGCATCCAAAATTGACAAAGACCCCCAAGAACAGCCTCAAATCCTCAA-3'